The following is an entry in ClinVar:

NM_006531.5(IFT88):c.2242G>A (p.Asp748Asn)

Gene: IFT88 (intraflagellar transport 88; plus strand). Cytogenetic location: 13q12.11.
Variant type: single nucleotide variant.
Coding change: c.2242G>A on transcript NM_006531.5 (MANE Select); coding-DNA position 2242, G replaced by A.
Protein change: p.Asp748Asn; replaces aspartic acid 748 with asparagine.
Molecular consequence: missense variant. On other transcripts: non-coding transcript variant (5), 3 prime UTR variant (1).
Genome position (GRCh38, 1-based): chr13:20,671,039, G>A. VCF-style: chr13-20671039-G-A. GRCh37 (hg19) VCF-style: chr13-21245178-G-A.
Other names: c.2269G>A, p.Asp757Asn (NM_175605.5, NM_001318493.2, NM_001353565.2 and 2 more transcripts); c.2167G>A, p.Asp723Asn (NM_001353569.2, NM_001353570.2, NM_001353576.2 and 1 more transcripts); c.2140G>A, p.Asp714Asn (NM_001353571.2, NM_001353578.2); c.2242G>A, p.Asp748Asn (NM_001353572.2, NM_001353568.2); c.2098G>A, p.Asp700Asn (NM_001353573.2); c.2083G>A, p.Asp695Asn (NM_001353574.2); c.*5G>A (NM_001353575.2); c.1609G>A, p.Asp537Asn (NM_001353579.2); and 1 more; short protein forms D537N, D714N, D748N, D700N, D729N, D757N, D695N, D723N.
Identifiers: ClinVar variation 3689050 (VCV003689050.2).

ClinVar aggregate classification (germline): Uncertain significance (1 of 4 stars; one submission).

gnomAD v4.1: 4 of 1,612,854 alleles (0.00025%); highest among the groups gnomAD compares: Non-Finnish European, 0.00034%; no homozygotes.

Submission:

Labcorp Genetics (formerly Invitae), Labcorp
Classification: Uncertain significance. Last evaluated: 2024-11-19. Review status: criteria provided, single submitter. Criteria: Invitae Variant Classification Sherloc (09022015). Collection method: clinical testing. Allele origin: germline.
Comment: This sequence change replaces aspartic acid, which is acidic and polar, with asparagine, which is neutral and polar, at codon 757 of the IFT88 protein (p.Asp757Asn). This variant also falls at the last nucleotide of exon 26, which is part of the consensus splice site for this exon. This variant is not present in population databases (gnomAD no frequency). This variant has not been reported in the literature in individuals affected with IFT88-related conditions. An algorithm developed to predict the effect of missense changes on protein structure and function (PolyPhen-2) suggests that this variant is likely to be tolerated. Variants that disrupt the consensus splice site are a relatively common cause of aberrant splicing (PMID: 17576681, 9536098). In summary, the available evidence is currently insufficient to determine the role of this variant in disease. Therefore, it has been classified as a Variant of Uncertain Significance.

Literature cited by the submitters: PubMed 17576681; PubMed 9536098.